The following is an entry in ClinVar:

ClinVar aggregate classification (germline): Pathogenic (0 of 4 stars; one submission).

Conditions:
Carcinoma of colon (CRC). Also called: Colonic carcinoma; Colon carcinoma. Identifiers: MedGen C0699790, MONDO:0002032.

Submission:

Department of Pathology and Laboratory Medicine, Sinai Health System
Classification: Pathogenic for Carcinoma of colon. Review status: no assertion criteria provided. Collection method: clinical testing. Allele origin: unknown. Affected: yes. Observed: 1 variant allele. Study: The Canadian Open Genetics Repository (COGR).
Comment: The PMS2 c.1145-?_2006+?del variant (chr:7 g.6026390_6027251del GRCh37) results in a deletion of exon 11, although the precise breakpoints of this deletion were not determined, nor were the effects of this variant on the resulting mRNA or protein product determined. The PMS2 variant was not identified in the literature nor was it identified in the dbSNP or ClinVar databases. The variant was not identified in the following control databases: the Exome Aggregation Consortium (August 8th 2016), or the Genome Aggregation Database (Feb 27, 2017). This alteration is predicted to result in a truncated or absent protein and loss of function. Loss of function variants of the PMS2 gene are an established mechanism of disease in PMS2 associated cancers and is the type of variant expected to cause the disorder. In summary, this variant meets our laboratoryâ€šÃ„Ã´s criteria to be classified as pathogenic.

NM_000535.7(PMS2):c.1145-1_2006+2del

Gene: PMS2 (PMS1 homolog 2, mismatch repair system component; minus strand). Cytogenetic location: 7p22.1.
Variant type: Deletion.
Coding change: c.1145-1_2006+2del on transcript NM_000535.7 (MANE Select); the canonical splice acceptor site of the intron before coding-DNA position 1145 through the canonical splice donor site of the intron after coding-DNA position 2006, 865 bases deleted.
Molecular consequence: splice acceptor variant, splice donor variant.
Genome position (GRCh38, 1-based): chr7:5,986,757-5,987,621, 865 bases deleted. GRCh37 (hg19): chr7:6,026,388-6,027,252.
Other names: c.827-1_1688+2del (NM_001322008.2, NM_001322007.2); c.584-1_1445+2del (NM_001322010.2); c.740-1_1601+2del (NM_001322004.2, NM_001322003.2, NM_001322009.2 and 1 more transcripts); c.572-1_1433+2del (NM_001322013.2); c.212-1_1073+2del (NM_001322012.2, NM_001322011.2); c.836-1_1697+2del (NM_001322015.2); c.989-1_1850+2del (NM_001322006.2); c.1145-1_2006+2del (NM_001322014.2).
Identifiers: ClinVar variation 1049610 (VCV001049610.1), dbSNP rs2128719778, ClinGen allele CA2499218952.